The following is an entry in ClinVar:

NC_000009.12:g.35658071dup

Gene: RMRP (RNA component of mitochondrial RNA processing endoribonuclease; minus strand). Cytogenetic location: 9p13.3.
Variant type: Duplication.
Genome position: GRCh38 VCF-style: chr9-35658067-G-GT. GRCh37 (hg19) VCF-style: chr9-35658064-G-GT.
Identifiers: ClinVar variation 550491 (VCV000550491.4), dbSNP rs1168028338, ClinGen allele CA658821621.

ClinVar aggregate classification (germline): Uncertain significance. Review status: criteria provided, single submitter (1 of 4 stars). 2 submissions from 2 submitters: Uncertain significance (1). 1 of the submissions does not count toward it. Last evaluated 2022-04-25.

Conditions:
Anauxetic dysplasia. Identifiers: Orphanet 93347, MedGen C1846796, MONDO:0011773.
Metaphyseal chondrodysplasia, McKusick type (CHH). Also called: Cartilage-Hair Hypoplasia (CHH); Cartilage-hair hypoplasia. Identifiers: Orphanet 175, MedGen C0220748, MONDO:0009595, OMIM 250250.

Submissions (2):

Labcorp Genetics (formerly Invitae), Labcorp
Classification: Uncertain significance for Anauxetic dysplasia. Last evaluated: 2022-04-25. Review status: criteria provided, single submitter. Criteria: Invitae Variant Classification Sherloc (09022015). Collection method: clinical testing. Allele origin: germline.
Comment: This variant occurs in the RMRP gene, which encodes an RNA molecule that does not result in a protein product. This variant is not present in population databases (gnomAD no frequency). This variant has not been reported in the literature in individuals affected with RMRP-related conditions. Experimental studies and prediction algorithms are not available or were not evaluated, and the functional significance of this variant is currently unknown. In summary, the available evidence is currently insufficient to determine the role of this variant in disease. Therefore, it has been classified as a Variant of Uncertain Significance.

Counsyl
Classification: Uncertain significance for Metaphyseal chondrodysplasia, McKusick type. Last evaluated: 2017-01-27. Review status: no assertion criteria provided. Collection method: clinical testing. Allele origin: unknown. Not counted in ClinVar's aggregate classification.